The following is an entry in ClinVar:

NM_005445.4(SMC3):c.*158G>A

Gene: SMC3 (structural maintenance of chromosomes 3; plus strand). Cytogenetic location: 10q25.2.
Variant type: single nucleotide variant.
Coding change: c.*158G>A on transcript NM_005445.4 (MANE Select); 158 bases downstream of the stop codon, G replaced by A.
Molecular consequence: 3 prime UTR variant.
Genome position (GRCh38, 1-based): chr10:110,604,460, G>A. VCF-style: chr10-110604460-G-A. GRCh37 (hg19) VCF-style: chr10-112364218-G-A.
Identifiers: ClinVar variation 298780 (VCV000298780.7), dbSNP rs183542538, ClinGen allele CA10634550.
Genomic context (GRCh38, chr10:110,604,460, plus strand): 5'-TTTCAGACTTAAAGCATCATAGTCCTTTTATATTTGTCTTTGTATTTTATAAGATACTCT[G>A]TAATGTCATGTTTGTACTGATAGTTTAAGAATTTAATTTCCTGTACAACTTTTTGTAAAA-3'

ClinVar aggregate classification (germline): Benign. Review status: criteria provided, multiple submitters, no conflicts (2 of 4 stars). 3 submissions from 3 submitters: Benign (3). Last evaluated 2019-03-06.

Conditions:
Cornelia de Lange syndrome 3 (CDLS3). Also called: CORNELIA DE LANGE SYNDROME 3 WITH OR WITHOUT MIDLINE BRAIN DEFECTS; SMC3-Related Cornelia de Lange Syndrome. Identifiers: Orphanet 199, MedGen C1853099, MONDO:0012555, OMIM 610759.

Allele frequency attached by ClinVar (database versions not stated): TOPMed 0.00404; 1000 Genomes Project 30x 0.00406; 1000 Genomes Project 0.00479; gnomAD exomes 0.00965; gnomAD 0.00972 and 0.01009.
gnomAD v4.1: 5,862 of 606,234 alleles (0.97%); highest among the groups gnomAD compares: Non-Finnish European, 0.65%; 136 homozygotes.

Submissions (3):

GeneDx
Classification: Benign. Last evaluated: 2019-03-06. Review status: criteria provided, single submitter. Criteria: GeneDx Variant Classification Process June 2021. Collection method: clinical testing. Allele origin: germline. Affected: yes.

Illumina Laboratory Services, Illumina
Classification: Benign for Cornelia de Lange syndrome 3. Last evaluated: 2018-01-12. Review status: criteria provided, single submitter. Criteria: ICSL Variant Classification Criteria 13 December 2019. Collection method: clinical testing. Allele origin: germline.
Comment: This variant was observed in the ICSL laboratory as part of a predisposition screen in an ostensibly healthy population. It had not been previously curated by ICSL or reported in the Human Gene Mutation Database (HGMD: prior to June 1st, 2018), and was therefore a candidate for classification through an automated scoring system. Utilizing variant allele frequency, disease prevalence and penetrance estimates, and inheritance mode, an automated score was calculated to assess if this variant is too frequent to cause the disease. Based on the score and internal cut-off values, a variant classified as benign is not then subjected to further curation. The score for this variant resulted in a classification of benign for this disease.

Breakthrough Genomics
Classification: Benign. Review status: criteria provided, single submitter. Criteria: ACMG Guidelines, 2015. Collection method: not provided. Allele origin: germline. Inheritance: Autosomal dominant inheritance. Affected: yes.